The following is an entry in ClinVar:

NM_001130823.3(DNMT1):c.649-62G>A

Gene: DNMT1 (DNA methyltransferase 1; minus strand). Cytogenetic location: 19p13.2.
Variant type: single nucleotide variant.
Coding change: c.649-62G>A on transcript NM_001130823.3 (MANE Select); 62 bases into the intron before coding-DNA position 649, G replaced by A.
Molecular consequence: intron variant.
Genome position (GRCh38, 1-based): chr19:10,173,967, C>T on the plus strand (G>A on the coding strand, the complement: DNMT1 is on the minus strand). VCF-style: chr19-10173967-C-T. GRCh37 (hg19) VCF-style: chr19-10284643-C-T.
Other names: c.286-62G>A (NM_001318731.2); c.601-62G>A (NM_001379.4, NM_001318730.2).
Identifiers: ClinVar variation 674565 (VCV000674565.2), dbSNP rs142475332, ClinGen allele CA305179937.

ClinVar aggregate classification (germline): Benign. Review status: criteria provided, multiple submitters, no conflicts (2 of 4 stars). 2 submissions from 2 submitters: Benign (2). Last evaluated 2018-06-16.

Allele frequency attached by ClinVar (database versions not stated): ESP Exome Variant Server 0.01226; gnomAD 0.01561 and 0.01666; 1000 Genomes Project 0.01757; TOPMed 0.01763; 1000 Genomes Project 30x 0.01968.
gnomAD v4.1: 4,473 of 1,510,492 alleles (0.3%); highest among the groups gnomAD compares: African/African-American, 5.4%; 113 homozygotes.

Submissions (2):

GeneDx
Classification: Benign. Last evaluated: 2018-06-16. Review status: criteria provided, single submitter. Criteria: GeneDx Variant Classification (06012015). Collection method: clinical testing. Allele origin: germline. Affected: yes.
Comment: This variant is considered likely benign or benign based on one or more of the following criteria: it is a conservative change, it occurs at a poorly conserved position in the protein, it is predicted to be benign by multiple in silico algorithms, and/or has population frequency not consistent with disease.

Breakthrough Genomics
Classification: Benign. Review status: criteria provided, single submitter. Criteria: ACMG Guidelines, 2015. Collection method: not provided. Allele origin: germline. Inheritance: Autosomal dominant inheritance. Affected: yes.